The following is an entry in ClinVar:

NM_002291.3(LAMB1):c.3173C>G (p.Pro1058Arg)

Gene: LAMB1 (laminin subunit beta 1; minus strand). Cytogenetic location: 7q31.1.
Variant type: single nucleotide variant.
Coding change: c.3173C>G on transcript NM_002291.3 (MANE Select); coding-DNA position 3173, C replaced by G.
Protein change: p.Pro1058Arg; replaces proline 1058 with arginine.
Molecular consequence: missense variant.
Genome position (GRCh38, 1-based): chr7:107,952,130, G>C on the plus strand (C>G on the coding strand, the complement: LAMB1 is on the minus strand). VCF-style: chr7-107952130-G-C. GRCh37 (hg19) VCF-style: chr7-107592575-G-C.
Other names: short protein forms P1058R.
Identifiers: ClinVar variation 2192656 (VCV002192656.2), dbSNP rs764283285, ClinGen allele CA164243877.

ClinVar aggregate classification (germline): Uncertain significance (1 of 4 stars; one submission).

gnomAD v4.1: 4 of 1,614,088 alleles (0.00025%); highest among the groups gnomAD compares: Middle Eastern, 0.016%; no homozygotes.

Submission:

Labcorp Genetics (formerly Invitae), Labcorp
Classification: Uncertain significance. Last evaluated: 2022-05-24. Review status: criteria provided, single submitter. Criteria: Invitae Variant Classification Sherloc (09022015). Collection method: clinical testing. Allele origin: germline.
Comment: This sequence change replaces proline, which is neutral and non-polar, with arginine, which is basic and polar, at codon 1058 of the LAMB1 protein (p.Pro1058Arg). This variant is not present in population databases (gnomAD no frequency). Algorithms developed to predict the effect of missense changes on protein structure and function (SIFT, PolyPhen-2, Align-GVGD) all suggest that this variant is likely to be disruptive. In summary, the available evidence is currently insufficient to determine the role of this variant in disease. Therefore, it has been classified as a Variant of Uncertain Significance. This variant has not been reported in the literature in individuals affected with LAMB1-related conditions.